The following is an entry in ClinVar:

ClinVar aggregate classification (germline): Uncertain significance. Review status: criteria provided, multiple submitters, no conflicts (2 of 4 stars). 2 submissions from 2 submitters: Uncertain significance (2). Last evaluated 2025-09-24.

Conditions:
Muscular dystrophy, limb-girdle, autosomal recessive 23. Identifiers: Orphanet 565837, MedGen C4748327, MONDO:0029136, OMIM 618138.

gnomAD v4.1: 3 of 1,614,010 alleles (0.00019%); highest among the groups gnomAD compares: East Asian, 0.0067%; no homozygotes.

Submissions (2):

Genesolutions, Medical Genetics Institutes, Ho Chi Minh City, Vietnam
Classification: Uncertain significance for Muscular dystrophy, limb-girdle, autosomal recessive 23. Last evaluated: 2025-09-24. Review status: criteria provided, single submitter. Criteria: ACMG Guidelines, 2015. Collection method: clinical testing. Allele origin: germline. Affected: yes.

GeneDx
Classification: Uncertain significance. Last evaluated: 2024-07-25. Review status: criteria provided, single submitter. Criteria: GeneDx Variant Classification Process June 2021. Collection method: clinical testing. Allele origin: germline. Affected: yes.
Comment: Not observed at significant frequency in large population cohorts (gnomAD); In silico analysis supports that this missense variant has a deleterious effect on protein structure/function; Has not been previously published as pathogenic or benign to our knowledge; In silico analysis suggests this variant may impact gene splicing. In the absence of RNA/functional studies, the actual effect of this sequence change is unknown.

NM_000426.4(LAMA2):c.8122G>T (p.Gly2708Cys)

Gene: LAMA2 (laminin subunit alpha 2; plus strand). Cytogenetic location: 6q22.33.
Variant type: single nucleotide variant.
Coding change: c.8122G>T on transcript NM_000426.4 (MANE Select); coding-DNA position 8122, G replaced by T.
Protein change: p.Gly2708Cys; replaces glycine 2708 with cysteine.
Molecular consequence: missense variant.
Genome position (GRCh38, 1-based): chr6:129,492,361, G>T. VCF-style: chr6-129492361-G-T. GRCh37 (hg19) VCF-style: chr6-129813506-G-T.
Other names: c.8110G>T, p.Gly2704Cys (NM_001079823.2); short protein forms G2704C, G2708C.
Identifiers: ClinVar variation 3602359 (VCV003602359.2).
Genomic context (GRCh38, chr6:129,492,361, plus strand): 5'-TTACATTCTATTAGCCCCATGGACTTTGCAAGGCCTGTGTCCTTCAAAAATGCTGACATT[G>T]GTCGCTGTGCCCATCAGAAACTCCGTGAAGATGAAGATGGAGCAGCTCCAGCTGAAATAG-3'
Protein context (NP_000417.3, residues 2698-2718): RPVSFKNADI[Gly2708Cys]RCAHQKLRED